The following is an entry in ClinVar:

ClinVar aggregate classification (germline): Likely benign. Review status: criteria provided, multiple submitters, no conflicts (2 of 4 stars). 3 submissions from 3 submitters: Likely benign (2). 1 of the submissions does not count toward it. Last evaluated 2023-10-27.

Conditions:
IFT172-related disorder. Also called: IFT172-related condition; IFT172-related disorders.
Short-rib thoracic dysplasia 10 with or without polydactyly (SRTD10). Identifiers: Orphanet 474, MedGen C3810175, MONDO:0014284, OMIM 615630.
Retinitis pigmentosa 71 (RP71). Identifiers: Orphanet 791, MedGen C4225342, MONDO:0014618, OMIM 616394.

Allele frequency attached by ClinVar (database versions not stated): gnomAD exomes below 0.00001; gnomAD 0.00001.
gnomAD v4.1: 2 of 1,612,890 alleles (0.00012%); highest among the groups gnomAD compares: African/African-American, 0.0013%; no homozygotes.

Submissions (3):

Labcorp Genetics (formerly Invitae), Labcorp
Classification: Likely benign for Retinitis pigmentosa 71; Short-rib thoracic dysplasia 10 with or without polydactyly. Last evaluated: 2023-10-27. Review status: criteria provided, single submitter. Criteria: Invitae Variant Classification Sherloc (09022015). Collection method: clinical testing. Allele origin: germline.

Breakthrough Genomics
Classification: Likely benign. Review status: criteria provided, single submitter. Criteria: ACMG Guidelines, 2015. Collection method: not provided. Allele origin: germline. Inheritance: Autosomal recessive inheritance. Affected: yes.

PreventionGenetics, part of Exact Sciences
Classification: Likely benign for IFT172-related condition. Last evaluated: 2023-10-31. Review status: no assertion criteria provided. Collection method: clinical testing. Allele origin: germline. Not counted in ClinVar's aggregate classification.
Comment: This variant is classified as likely benign based on ACMG/AMP sequence variant interpretation guidelines (Richards et al. 2015 PMID: 25741868, with internal and published modifications).

NM_015662.3(IFT172):c.18G>A (p.Leu6=)

Gene: IFT172 (intraflagellar transport 172; minus strand). Cytogenetic location: 2p23.3.
Variant type: single nucleotide variant.
Coding change: c.18G>A on transcript NM_015662.3 (MANE Select); coding-DNA position 18, G replaced by A.
Protein change: p.Leu6=; no amino-acid change (leucine 6 retained).
Molecular consequence: synonymous variant.
Genome position (GRCh38, 1-based): chr2:27,489,636, C>T on the plus strand (G>A on the coding strand, the complement: IFT172 is on the minus strand). VCF-style: chr2-27489636-C-T. GRCh37 (hg19) VCF-style: chr2-27712503-C-T.
Other names: c.18G>A (NM_015662.2); c.18G>A, p.Leu6= (NM_001410739.1).
Identifiers: ClinVar variation 2142979 (VCV002142979.7), dbSNP rs1669024199, ClinGen allele CA425415595.